The following is an entry in ClinVar:

ClinVar aggregate classification (germline): Uncertain significance (0 of 4 stars; one submission).

Conditions:
DTNA-related disorder. Also called: DTNA-related condition.

Submission:

PreventionGenetics, part of Exact Sciences
Classification: Uncertain significance for DTNA-related condition. Last evaluated: 2023-12-10. Review status: no assertion criteria provided. Collection method: clinical testing. Allele origin: germline.
Comment: The DTNA c.1247T>G variant is predicted to result in the amino acid substitution p.Leu416Arg. To our knowledge, this variant has not been reported in the literature or in a large population database, indicating this variant is rare. At this time, the clinical significance of this variant is uncertain due to the absence of conclusive functional and genetic evidence.

NM_001386795.1(DTNA):c.1328T>G (p.Leu443Arg)

Gene: DTNA (dystrobrevin alpha; plus strand). Cytogenetic location: 18q12.1.
Variant type: single nucleotide variant.
Coding change: c.1328T>G on transcript NM_001386795.1 (MANE Select); coding-DNA position 1328, T replaced by G.
Protein change: p.Leu443Arg; replaces leucine 443 with arginine.
Molecular consequence: missense variant. On other transcripts: intron variant (33).
Genome position (GRCh38, 1-based): chr18:34,838,819, T>G. VCF-style: chr18-34838819-T-G. GRCh37 (hg19) VCF-style: chr18-32418783-T-G.
Other names: c.374T>G, p.Leu125Arg (NM_001198942.1); c.1328T>G, p.Leu443Arg (NM_001386788.1); c.1247T>G, p.Leu416Arg (NM_001390.5, NM_001391.5); c.1238T>G, p.Leu413Arg (NM_032978.7); c.1095-9477T>G (NM_032975.4, NM_001386761.1, NM_001386762.1 and 1 more transcripts); c.1175+9330T>G (NM_001386754.1, NM_001386755.1, NM_001386760.1 and 5 more transcripts); c.1086-9477T>G (NM_001386763.1, NM_001386764.1, NM_001386768.1 and 13 more transcripts); c.604-13012T>G (NM_001198945.2); and 4 more; short protein forms L125R, L413R, L416R, L443R.
Identifiers: ClinVar variation 3043518 (VCV003043518.2), dbSNP rs2519131138, ClinGen allele CA402172368.